The following is an entry in ClinVar:

ClinVar aggregate classification (germline): Pathogenic. Review status: criteria provided, multiple submitters, no conflicts (2 of 4 stars). 2 submissions from 2 submitters: Pathogenic (2). Last evaluated 2023-11-24.

Conditions:
Mandibulofacial dysostosis-microcephaly syndrome (MFDGA). Also called: Growth and mental retardation, mandibulofacial dysostosis, microcephaly, and cleft palate; Mandibulofacial dysostosis, Guion-Almeida type. Identifiers: Orphanet 79113, MedGen C1864652, MONDO:0012516, OMIM 610536.

Submissions (2):

Labcorp Genetics (formerly Invitae), Labcorp
Classification: Pathogenic. Last evaluated: 2023-11-24. Review status: criteria provided, single submitter. Criteria: Invitae Variant Classification Sherloc (09022015). Collection method: clinical testing. Allele origin: germline.
Comment: This sequence change creates a premature translational stop signal (p.Trp733*) in the EFTUD2 gene. It is expected to result in an absent or disrupted protein product. Loss-of-function variants in EFTUD2 are known to be pathogenic (PMID: 24999515, 26507355). This variant is not present in population databases (gnomAD no frequency). This premature translational stop signal has been observed in individual(s) with EFTUD2-related conditions (PMID: 36135330). ClinVar contains an entry for this variant (Variation ID: 1702966). For these reasons, this variant has been classified as Pathogenic.

Daryl Scott Lab, Baylor College of Medicine
Classification: Pathogenic for Mandibulofacial dysostosis-microcephaly syndrome. Last evaluated: 2022-08-22. Review status: criteria provided, single submitter. Criteria: ACMG Guidelines, 2015. Collection method: clinical testing. Allele origin: de novo. Affected: yes. Observed: 1 variant allele, 1 heterozygote.

Literature cited by the submitters: PubMed 24999515 (cited by Labcorp Genetics (formerly Invitae), Labcorp); PubMed 26507355 (cited by Labcorp Genetics (formerly Invitae), Labcorp); PubMed 36135330 (cited by Labcorp Genetics (formerly Invitae), Labcorp and Daryl Scott Lab, Baylor College of Medicine).

NM_004247.4(EFTUD2):c.2199G>A (p.Trp733Ter)

Gene: EFTUD2 (elongation factor Tu GTP binding domain containing 2; minus strand). Cytogenetic location: 17q21.31.
Variant type: single nucleotide variant.
Coding change: c.2199G>A on transcript NM_004247.4 (MANE Select); coding-DNA position 2199, G replaced by A.
Protein change: p.Trp733Ter; replaces tryptophan 733 with a stop codon.
Molecular consequence: nonsense.
Genome position (GRCh38, 1-based): chr17:44,854,616, C>T on the plus strand (G>A on the coding strand, the complement: EFTUD2 is on the minus strand). VCF-style: chr17-44854616-C-T. GRCh37 (hg19) VCF-style: chr17-42931984-C-T.
Other names: c.2094G>A, p.Trp698Ter (NM_001142605.2); c.2199G>A, p.Trp733Ter (NM_001258353.2); c.2169G>A, p.Trp723Ter (NM_001258354.2); short protein forms W698*, W723*, W733*.
Identifiers: ClinVar variation 1702966 (VCV001702966.4), dbSNP rs2145438293, ClinGen allele CA399843007.